The following is an entry in ClinVar:

NM_181523.3(PIK3R1):c.1891C>T (p.Arg631Ter)

Gene: PIK3R1 (phosphoinositide-3-kinase regulatory subunit 1; plus strand). Cytogenetic location: 5q13.1.
Variant type: single nucleotide variant.
Coding change: c.1891C>T on transcript NM_181523.3 (MANE Select); coding-DNA position 1891, C replaced by T.
Protein change: p.Arg631Ter; replaces arginine 631 with a stop codon.
Molecular consequence: nonsense.
Genome position (GRCh38, 1-based): chr5:68,296,247, C>T. VCF-style: chr5-68296247-C-T. GRCh37 (hg19) VCF-style: chr5-67592075-C-T.
Other names: NM_181523.3(PIK3R1):c.1891C>T; p.Arg631Ter; c.1081C>T, p.Arg361Ter (NM_181504.4); c.991C>T, p.Arg331Ter (NM_181524.2); c.802C>T, p.Arg268Ter (NM_001242466.2); short protein forms R268*, R331*, R361*, R631*.
Identifiers: ClinVar variation 3385344 (VCV003385344.2).

ClinVar aggregate classification (germline): Likely pathogenic. Review status: reviewed by expert panel (3 of 4 stars). 2 submissions from 2 submitters: Likely pathogenic (1). 1 of the submissions does not count toward it. Last evaluated 2026-05-19.

Conditions:
Activated PI3K-delta syndrome. Identifiers: Orphanet 397596, MedGen C3714976, MONDO:0018338.
PIK3R1-related immunodeficiency and SHORT syndrome. Identifiers: MedGen CN379774, MONDO:1060136.

gnomAD v4.1: 5 of 1,614,094 alleles (0.00031%); highest among the groups gnomAD compares: Non-Finnish European, 0.00042%; no homozygotes.

Submissions (2):

ClinGen Primary Immune Regulatory Disorders Variant Curation Expert Panel, ClinGen
Classification: Likely pathogenic for PIK3R1-related immunodeficiency and SHORT syndrome. Last evaluated: 2026-05-19. Review status: reviewed by expert panel. Criteria: ClinGen AbDef ACMG Specifications PIK3R1 V1.0.0. Collection method: curation. Allele origin: germline. Inheritance: Autosomal dominant inheritance.
Comment: NM_181523.3(PIK3R1):c.1891C>T (p.Arg631Ter) is a nonsense variant predicted to introduce a premature stop codon within exon 15 of 16 and to lead to nonsense-mediated decay of all three disease-relevant transcripts, but is located within 45 nucleotides of the boundary for this prediction (PVS1_Strong). This variant is present in gnomAD v4.1.0 at a total allele frequency of 0.000003098, with 5 alleles / 1,614,094 total alleles across all populations of gnomAD, which is higher than the ClinGen Antibody Deficiencies PM2_Supporting threshold of <0.00000132. This variant is present in gnomAD v4.1.0 at a GrpMax allele frequency of 0.000001240, with 5 alleles / 1,179,998 total alleles in the European (non-Finnish) population, which is lower than the BS1 threshold of >0.000316, so no population code is met. At least one patient with this variant had clinical phenotypes that reached 17 total points, with genotyping by next-generation sequencing panel that did not identify an alternative basis for disease in the PIK3CD gene, which together are specific for PIK3R1-related immunodeficiency and SHORT syndrome (VCEP member-provided data, PP4). An unpublished affected patient submitted to ClinVar (who may be the same or distinct from the previously described proband) had experimental evidence showing normal proportions of T follicular helper cells and transitional B cells, in which abnormalities are considered by the reporting lab to be hallmarks of affected patients with activated PI3K-delta syndrome. Activated, blasting primary T cells showed no increase in phospho-AKT relative to controls following anti-CD3 stimulation, and no increase in baseline phospho-S6. The proband has not been counted towards BS2 or PS4_Supporting pending additional data about the clinical phenotype (SCV005420909.1). In summary, this variant meets the criteria to be classified as likely pathogenic for autosomal dominant PIK3R1-related immunodeficiency and SHORT syndrome based on the ACMG/AMP criteria applied, as specified by the ClinGen Antibody Deficiencies VCEP: PVS1_Strong, PP4, and PS2_Moderate. (VCEP specifications version 1.0.0; date of approval 04/29/2026).

Rarefied Biosciences Lab
Classification: Likely benign for Activated PI3K-delta syndrome. Review status: no assertion criteria provided. Collection method: research. Allele origin: germline, not applicable. Affected: yes. Not counted in ClinVar's aggregate classification.
Comment: The following variant p.R631 is likely benign due to experimental evidence showing no abnormal function of of TFH, mTOR, and transitional B cells which are hallmarks of affected patients.

Literature cited by the submitters: PubMed 31031754 (cited by Rarefied Biosciences Lab).